The following is an entry in ClinVar:

ClinVar aggregate classification (germline): Likely benign (1 of 4 stars; one submission).

Submission:

Mayo Clinic Laboratories, Mayo Clinic
Classification: Likely benign. Last evaluated: 2025-12-02. Review status: criteria provided, single submitter. Criteria: ACMG Guidelines, 2015. Collection method: clinical testing. Allele origin: germline. Observed: 22 variant alleles.
Comment: BP4, BP7

NM_016006.6(ABHD5):c.773+28TG[16]

Gene: ABHD5 (abhydrolase domain containing 5, lysophosphatidic acid acyltransferase; plus strand). Cytogenetic location: 3p21.33.
Variant type: Microsatellite.
Coding change: c.773+28TG[16] on transcript NM_016006.6 (MANE Select); 16 copies in a row of the 2-base unit TG starting at c.773+28.
Molecular consequence: intron variant.
Genome position: GRCh38 VCF-style: chr3-43715085-CTG-C. GRCh37 (hg19) VCF-style: chr3-43756577-CTG-C.
Other names: p.?; c.773+61_773+62del (NM_016006.6); c.773+28TG[16] (NM_001365650.1, NM_001355186.2); c.650+28TG[16] (NM_001365649.1).
Identifiers: ClinVar variation 4684691 (VCV004684691.1).